The following is an entry in ClinVar:

ClinVar aggregate classification (germline): Pathogenic (1 of 4 stars; one submission).

Conditions:
Ehlers-Danlos syndrome, dermatosparaxis type. Also called: EDS VIIC; Dermatosparaxis; Ehlers-Danlos syndrome, type VII, autosomal recessive. Identifiers: Orphanet 1901, MedGen C2700425, MONDO:0009161, OMIM 225410.

Submission:

Myriad Genetics, Inc.
Classification: Pathogenic for Ehlers-Danlos syndrome, dermatosparaxis type. Last evaluated: 2025-12-19. Review status: criteria provided, single submitter. Criteria: Myriad Autosomal Dominant, Autosomal Recessive and X-Linked Classification Criteria (2023). Collection method: clinical testing. Allele origin: unknown.
Comment: NM_014244.4(ADAMTS2):c.1809_1810insAGGT(A604Rfs*19) is a frameshift variant classified as pathogenic in the context of Ehlers-Danlos syndrome, ADAMTS2-related. A604Rfs*19 has not been observed in cases with relevant disease. Relevant functional assessments of this variant are not available in the literature. A604Rfs*19 has not been observed in referenced population frequency databases. In summary, NM_014244.4(ADAMTS2):c.1809_1810insAGGT(A604Rfs*19) is a frameshift variant in a gene where loss of function is a known mechanism of disease and is predicted to disrupt protein function. Please note: this variant was assessed in the context of healthy population screening.

NM_014244.5(ADAMTS2):c.1809_1810insAGGT (p.Ala604fs)

Gene: ADAMTS2 (ADAM metallopeptidase with thrombospondin type 1 motif 2; minus strand). Cytogenetic location: 5q35.3.
Variant type: Insertion.
Coding change: c.1809_1810insAGGT on transcript NM_014244.5 (MANE Select); coding-DNA positions 1809 to 1810, AGGT inserted.
Protein change: p.Ala604fs; shifts the reading frame from alanine 604.
Molecular consequence: frameshift variant.
Genome position: GRCh38 VCF-style: chr5-179137910-C-CACCT. GRCh37 (hg19) VCF-style: chr5-178564911-C-CACCT.
Other names: short protein forms A604fs.
Identifiers: ClinVar variation 5004336 (VCV005004336.1).